The following is an entry in ClinVar:

ClinVar aggregate classification (germline): Uncertain significance. Review status: criteria provided, multiple submitters, no conflicts (2 of 4 stars). 2 submissions from 2 submitters: Uncertain significance (2). Last evaluated 2024-06-21.

Conditions:
Congenital contractural arachnodactyly (CCA). Also called: Beals-Hecht syndrome; BEALS SYNDROME; Arthrogryposis, distal, type 9. Identifiers: Orphanet 115, MedGen C0220668, MONDO:0007363, OMIM 121050.

Allele frequency attached by ClinVar (database versions not stated): ExAC 0.00001; TOPMed 0.00002; ESP Exome Variant Server 0.00008.
gnomAD v4.1: 7 of 1,614,040 alleles (0.00043%); highest among the groups gnomAD compares: Non-Finnish European, 0.00059%; no homozygotes.

Submissions (2):

Labcorp Genetics (formerly Invitae), Labcorp
Classification: Uncertain significance for Congenital contractural arachnodactyly. Last evaluated: 2024-06-21. Review status: criteria provided, single submitter. Criteria: Invitae Variant Classification Sherloc (09022015). Collection method: clinical testing. Allele origin: germline.
Comment: This sequence change falls in intron 5 of the FBN2 gene. It does not directly change the encoded amino acid sequence of the FBN2 protein. It affects a nucleotide within the consensus splice site. This variant is present in population databases (rs376491648, gnomAD 0.003%). This variant has not been reported in the literature in individuals affected with FBN2-related conditions. ClinVar contains an entry for this variant (Variation ID: 574535). Variants that disrupt the consensus splice site are a relatively common cause of aberrant splicing (PMID: 17576681, 9536098). Algorithms developed to predict the effect of sequence changes on RNA splicing suggest that this variant may disrupt the consensus splice site. In summary, the available evidence is currently insufficient to determine the role of this variant in disease. Therefore, it has been classified as a Variant of Uncertain Significance.

GeneDx
Classification: Uncertain significance. Last evaluated: 2024-05-15. Review status: criteria provided, single submitter. Criteria: GeneDx Variant Classification Process June 2021. Collection method: clinical testing. Allele origin: germline. Affected: yes.
Comment: Not observed at significant frequency in large population cohorts (gnomAD); In silico analysis supports a deleterious effect on splicing; Has not been previously published as pathogenic or benign to our knowledge

Literature cited by the submitters: PubMed 17576681 (cited by Labcorp Genetics (formerly Invitae), Labcorp); PubMed 9536098 (cited by Labcorp Genetics (formerly Invitae), Labcorp).

NM_001999.4(FBN2):c.629-3C>G

Gene: FBN2 (fibrillin 2; minus strand). Cytogenetic location: 5q23.3.
Variant type: single nucleotide variant.
Coding change: c.629-3C>G on transcript NM_001999.4 (MANE Select); 3 bases into the intron before coding-DNA position 629, C replaced by G.
Molecular consequence: intron variant.
Genome position (GRCh38, 1-based): chr5:128,464,924, G>C on the plus strand (C>G on the coding strand, the complement: FBN2 is on the minus strand). VCF-style: chr5-128464924-G-C. GRCh37 (hg19) VCF-style: chr5-127800617-G-C.
Identifiers: ClinVar variation 574535 (VCV000574535.11), dbSNP rs376491648, ClinGen allele CA3396033.